The following is an entry in ClinVar:

NM_002335.4(LRP5):c.345C>T (p.Cys115=)

Gene: LRP5 (LDL receptor related protein 5; plus strand). Cytogenetic location: 11q13.2.
Variant type: single nucleotide variant.
Coding change: c.345C>T on transcript NM_002335.4 (MANE Select); coding-DNA position 345, C replaced by T.
Protein change: p.Cys115=; no amino-acid change (cysteine 115 retained).
Molecular consequence: synonymous variant. On other transcripts: 5 prime UTR variant (1).
Genome position (GRCh38, 1-based): chr11:68,348,100, C>T. VCF-style: chr11-68348100-C-T. GRCh37 (hg19) VCF-style: chr11-68115568-C-T.
Other names: c.345C>T (NM_002335.3); c.-1421C>T (NM_001291902.2).
Identifiers: ClinVar variation 1026948 (VCV001026948.8), dbSNP rs144053326, ClinGen allele CA6148963.

ClinVar aggregate classification (germline): Likely benign. Review status: criteria provided, multiple submitters, no conflicts (2 of 4 stars). 3 submissions from 3 submitters: Likely benign (3). Last evaluated 2026-03-13.

Conditions:
LRP5-related disorder. Also called: LRP5-related condition.

Allele frequency attached by ClinVar (database versions not stated): ExAC 0.00004; gnomAD exomes 0.00005 and 0.00009; gnomAD 0.00006; ESP Exome Variant Server 0.00008; TOPMed 0.00008.

Submissions (3):

PreventionGenetics, part of Exact Sciences
Classification: Likely benign for LRP5-related condition. Last evaluated: 2026-03-13. Review status: criteria provided, single submitter. Criteria: ACMG Guidelines, 2015. Collection method: clinical testing. Allele origin: germline.
Comment: This variant is classified as likely benign based on ACMG/AMP sequence variant interpretation guidelines (Richards et al. 2015 PMID: 25741868, with internal and published modifications).

Labcorp Genetics (formerly Invitae), Labcorp
Classification: Likely benign. Last evaluated: 2025-10-01. Review status: criteria provided, single submitter. Criteria: Invitae Variant Classification Sherloc (09022015). Collection method: clinical testing. Allele origin: germline.

Blueprint Genetics
Classification: Likely benign. Last evaluated: 2023-02-23. Review status: criteria provided, single submitter. Criteria: ACMG Guidelines, 2015. Collection method: clinical testing. Allele origin: germline.